The following is an entry in ClinVar:

ClinVar aggregate classification (germline): Pathogenic. Review status: criteria provided, single submitter (1 of 4 stars). 2 submissions from 2 submitters: Pathogenic (1). 1 of the submissions does not count toward it. Last evaluated 2022-07-01.

Conditions:
Menkes kinky-hair syndrome (MNK). Also called: Copper transport disease; Menkes Disease; Classic Menkes Disease. Identifiers: Orphanet 565, MedGen C0022716, MONDO:0010651, OMIM 309400.
Cutis laxa, X-linked (OHS). Also called: EDS IX; Occipital horn syndrome. Identifiers: Orphanet 198, MedGen C0268353, MONDO:0010572, OMIM 304150.
X-linked distal spinal muscular atrophy type 3. Also called: SPINAL MUSCULAR ATROPHY, DISTAL, X-LINKED RECESSIVE; NEURONOPATHY, DISTAL HEREDITARY MOTOR, X-LINKED; NEUROPATHY, DISTAL HEREDITARY MOTOR, X-LINKED; ATP7A-Related Distal Motor Neuropathy. Identifiers: Orphanet 139557, MedGen C1845359, MONDO:0010338, OMIM 300489.

Submissions (2):

Labcorp Genetics (formerly Invitae), Labcorp
Classification: Pathogenic for X-linked distal spinal muscular atrophy type 3; Cutis laxa, X-linked; Menkes kinky-hair syndrome. Last evaluated: 2022-07-01. Review status: criteria provided, single submitter. Criteria: Invitae Variant Classification Sherloc (09022015). Collection method: clinical testing. Allele origin: germline.
Comment: For these reasons, this variant has been classified as Pathogenic. This variant has not been reported in the literature in individuals affected with ATP7A-related conditions. This variant is not present in population databases (gnomAD no frequency). This sequence change creates a premature translational stop signal (p.Ile220Serfs*9) in the ATP7A gene. It is expected to result in an absent or disrupted protein product. Loss-of-function variants in ATP7A are known to be pathogenic (PMID: 11241493, 20652413).

Inherited Neuropathy Consortium Ii, University Of Miami
Classification: Uncertain significance for Menkes kinky-hair syndrome. Last evaluated: 2016-01-06. Review status: no assertion criteria provided. Collection method: literature only. Allele origin: germline. Affected: yes. Not counted in ClinVar's aggregate classification.

Literature cited by the submitters: PubMed 11241493 (cited by Labcorp Genetics (formerly Invitae), Labcorp); PubMed 20652413 (cited by Labcorp Genetics (formerly Invitae), Labcorp); PubMed 7842019 (cited by Inherited Neuropathy Consortium Ii, University Of Miami).

NM_000052.7(ATP7A):c.657_661del (p.Ile220fs)

Gene: ATP7A (ATPase copper transporting alpha; plus strand). Cytogenetic location: Xq21.1.
Variant type: Deletion.
Coding change: c.657_661del on transcript NM_000052.7 (MANE Select); coding-DNA positions 657 to 661, 5 bases deleted (TATCT; older notation c.657_661delTATCT).
Protein change: p.Ile220fs; shifts the reading frame from isoleucine 220.
Molecular consequence: frameshift variant.
Genome position (GRCh38, 1-based): chrX:77,989,279-77,989,283, TATCT deleted; deleting any 5 consecutive bases within chrX:77,989,275-77,989,283 gives the same sequence; the c. name uses the placement nearest the transcript's 3' end. VCF-style (leftmost placement, unchanged base first): chrX-77989274-CATCTT-C. GRCh37 (hg19) VCF-style: chrX-77244770-CATCTT-C.
Other names: c.657_661del, p.Ile220fs (NM_001282224.2); c.657_661delTATCT (NM_000052.6); short protein forms I220fs.
Identifiers: ClinVar variation 2138617 (VCV002138617.5), dbSNP rs2522292613, ClinGen allele CA658655513.